The following is an entry in ClinVar:

ClinVar aggregate classification (germline): Uncertain significance (1 of 4 stars; one submission).

Conditions:
Developmental and epileptic encephalopathy, 12 (DEE12). Identifiers: MedGen C3150988, MONDO:0013389, OMIM 613722.

Allele frequency attached by ClinVar (database versions not stated): gnomAD exomes below 0.00001.
gnomAD v4.1: 1 of 1,612,882 alleles (0.000062%); highest among the groups gnomAD compares: Admixed American, 0.0017%; no homozygotes.

Submission:

Labcorp Genetics (formerly Invitae), Labcorp
Classification: Uncertain significance for Developmental and epileptic encephalopathy, 12. Last evaluated: 2022-06-13. Review status: criteria provided, single submitter. Criteria: Invitae Variant Classification Sherloc (09022015). Collection method: clinical testing. Allele origin: germline.
Comment: In summary, the available evidence is currently insufficient to determine the role of this variant in disease. Therefore, it has been classified as a Variant of Uncertain Significance. Algorithms developed to predict the effect of missense changes on protein structure and function are either unavailable or do not agree on the potential impact of this missense change (SIFT: "Deleterious"; PolyPhen-2: "Possibly Damaging"; Align-GVGD: "Class C15"). This variant has not been reported in the literature in individuals affected with PLCB1-related conditions. This variant is not present in population databases (gnomAD no frequency). This sequence change replaces serine, which is neutral and polar, with cysteine, which is neutral and slightly polar, at codon 136 of the PLCB1 protein (p.Ser136Cys).

NM_015192.4(PLCB1):c.406A>T (p.Ser136Cys)

Gene: PLCB1 (phospholipase C beta 1; plus strand). Cytogenetic location: 20p12.3.
Variant type: single nucleotide variant.
Coding change: c.406A>T on transcript NM_015192.4 (MANE Select); coding-DNA position 406, A replaced by T.
Protein change: p.Ser136Cys; replaces serine 136 with cysteine.
Molecular consequence: missense variant.
Genome position (GRCh38, 1-based): chr20:8,646,123, A>T. VCF-style: chr20-8646123-A-T. GRCh37 (hg19) VCF-style: chr20-8626770-A-T.
Other names: c.406A>T, p.Ser136Cys (NM_182734.3); short protein forms S136C.
Identifiers: ClinVar variation 2147432 (VCV002147432.2), dbSNP rs201510657, ClinGen allele CA311674838.